The following is an entry in ClinVar:

ClinVar aggregate classification (germline): Uncertain significance. Review status: criteria provided, multiple submitters, no conflicts (2 of 4 stars). 2 submissions from 2 submitters: Uncertain significance (2). Last evaluated 2025-07-01.

Allele frequency attached by ClinVar (database versions not stated): gnomAD 0.00004 and 0.00005; gnomAD exomes 0.00006 and 0.00007; ExAC 0.00007.
gnomAD v4.1: 114 of 1,613,954 alleles (0.0071%); highest among the groups gnomAD compares: Non-Finnish European, 0.0082%; no homozygotes.

Submissions (2):

CeGaT Center for Human Genetics Tuebingen
Classification: Uncertain significance. Last evaluated: 2025-07-01. Review status: criteria provided, single submitter. Criteria: CeGaT Center For Human Genetics Tuebingen Variant Classification Criteria Version 2. Collection method: clinical testing. Allele origin: germline. Affected: yes. Observed: 1 variant allele.
Comment: POP1: PM2, BP4

Labcorp Genetics (formerly Invitae), Labcorp
Classification: Uncertain significance. Last evaluated: 2022-02-12. Review status: criteria provided, single submitter. Criteria: Invitae Variant Classification Sherloc (09022015). Collection method: clinical testing. Allele origin: germline.
Comment: This sequence change replaces arginine, which is basic and polar, with glutamine, which is neutral and polar, at codon 55 of the POP1 protein (p.Arg55Gln). In summary, the available evidence is currently insufficient to determine the role of this variant in disease. Therefore, it has been classified as a Variant of Uncertain Significance. Algorithms developed to predict the effect of missense changes on protein structure and function output the following: SIFT: "Tolerated"; PolyPhen-2: "Benign"; Align-GVGD: "Class C0". The glutamine amino acid residue is found in multiple mammalian species, which suggests that this missense change does not adversely affect protein function. This variant has not been reported in the literature in individuals affected with POP1-related conditions. This variant is present in population databases (rs767448528, gnomAD 0.01%).

NM_001145860.2(POP1):c.164G>A (p.Arg55Gln)

Gene: POP1 (POP1 ribonuclease P/MRP subunit; plus strand). Cytogenetic location: 8q22.2.
Variant type: single nucleotide variant.
Coding change: c.164G>A on transcript NM_001145860.2 (MANE Select); coding-DNA position 164, G replaced by A.
Protein change: p.Arg55Gln; replaces arginine 55 with glutamine.
Molecular consequence: missense variant.
Genome position (GRCh38, 1-based): chr8:98,127,616, G>A. VCF-style: chr8-98127616-G-A. GRCh37 (hg19) VCF-style: chr8-99139844-G-A.
Other names: c.164G>A, p.Arg55Gln (NM_001145861.2, NM_015029.3); short protein forms R55Q.
Identifiers: ClinVar variation 1372425 (VCV001372425.13), dbSNP rs767448528, ClinGen allele CA4820254.